The following is an entry in ClinVar:

ClinVar aggregate classification (germline): Likely pathogenic (1 of 4 stars; one submission).

Conditions:
Mucolipidosis type IV (ML4). Also called: ML IV. Identifiers: Orphanet 578, MedGen C0238286, MONDO:0009653, OMIM 252650.

Submission:

Natera, Inc.
Classification: Likely pathogenic for Mucolipidosis type IV. Last evaluated: 2024-04-05. Review status: criteria provided, single submitter. Criteria: Natera Variant Classification Schema (03/2026). Collection method: clinical testing. Allele origin: germline.
Comment: The c.1441C>T variant in MCOLN1 is a nonsense variant predicted to introduce a stop codon at amino acid 481. This variant is expected to result in nonsense mediated decay, truncation, or a dysfunctional protein product. This variant is rare in the general population with a frequency below the threshold expected for the associated phenotype(s). Given the available evidence, this variant is classified as Likely Pathogenic.

NM_020533.3(MCOLN1):c.1441C>T (p.Gln481Ter)

Gene: MCOLN1 (mucolipin TRP cation channel 1; plus strand). Cytogenetic location: 19p13.2.
Variant type: single nucleotide variant.
Coding change: c.1441C>T on transcript NM_020533.3 (MANE Select); coding-DNA position 1441, C replaced by T.
Protein change: p.Gln481Ter; replaces glutamine 481 with a stop codon.
Molecular consequence: nonsense.
Genome position (GRCh38, 1-based): chr19:7,530,367, C>T. VCF-style: chr19-7530367-C-T. GRCh37 (hg19) VCF-style: chr19-7595253-C-T.
Other names: short protein forms Q481*.
Identifiers: ClinVar variation 4816061 (VCV004816061.1).